The following is an entry in ClinVar:

NM_004068.4(AP2M1):c.75-3C>G

Gene: AP2M1 (adaptor related protein complex 2 subunit mu 1; plus strand). Cytogenetic location: 3q27.1.
Variant type: single nucleotide variant.
Coding change: c.75-3C>G on transcript NM_004068.4 (MANE Select); 3 bases into the intron before coding-DNA position 75, C replaced by G.
Molecular consequence: intron variant.
Genome position (GRCh38, 1-based): chr3:184,178,854, C>G. VCF-style: chr3-184178854-C-G. GRCh37 (hg19) VCF-style: chr3-183896642-C-G.
Other names: c.150-3C>G (NM_001311198.2); c.75-3C>G (NM_001025205.2).
Identifiers: ClinVar variation 5037420 (VCV005037420.1).

ClinVar aggregate classification (germline): Uncertain significance (1 of 4 stars; one submission).

Submission:

GeneDx
Classification: Uncertain significance. Last evaluated: 2026-04-19. Review status: criteria provided, single submitter. Criteria: GeneDx Variant Classification Process June 2021. Collection method: clinical testing. Allele origin: germline.
Comment: Not observed at significant frequency in large population cohorts (gnomAD); In silico analysis supports a deleterious effect on splicing; Has not been previously published as pathogenic or benign to our knowledge